The following is an entry in ClinVar:

NM_000548.5(TSC2):c.1714C>G (p.Gln572Glu)

Gene: TSC2 (TSC complex subunit 2; plus strand). Cytogenetic location: 16p13.3.
Variant type: single nucleotide variant.
Coding change: c.1714C>G on transcript NM_000548.5 (MANE Select); coding-DNA position 1714, C replaced by G.
Protein change: p.Gln572Glu; replaces glutamine 572 with glutamic acid.
Molecular consequence: missense variant. On other transcripts: non-coding transcript variant (5).
Genome position (GRCh38, 1-based): chr16:2,065,633, C>G. VCF-style: chr16-2065633-C-G. GRCh37 (hg19) VCF-style: chr16-2115634-C-G.
Other names: c.1714C>G, p.Gln572Glu (NM_001077183.3, NM_001114382.3, NM_001363528.2 and 6 more transcripts); c.1603C>G, p.Gln535Glu (NM_001318827.2, NM_001406678.1, NM_001406670.1); c.1567C>G, p.Gln523Glu (NM_001318829.2, NM_001406676.1, NM_001406679.1 and 1 more transcripts); c.1114C>G, p.Gln372Glu (NM_001318831.2, NM_001406680.1, NM_001406682.1 and 6 more transcripts); c.1747C>G, p.Gln583Glu (NM_001318832.2); c.1657C>G, p.Gln553Glu (NM_001406677.1); c.1252C>G, p.Gln418Glu (NM_001406681.1); c.370C>G, p.Gln124Glu (NM_001406695.1, NM_001406696.1, NM_001406697.1 and 6 more transcripts); and 3 more; short protein forms Q38E, Q535E, Q572E, Q602E, Q372E, Q418E, Q523E, Q568E.
Identifiers: ClinVar variation 2852178 (VCV002852178.3), dbSNP rs2087242404, ClinGen allele CA394270747.

ClinVar aggregate classification (germline): Uncertain significance (1 of 4 stars; one submission).

Conditions:
Tuberous sclerosis 2 (TSC2). Identifiers: Orphanet 805, MedGen C1860707, MONDO:0013199, OMIM 613254.

Submission:

Labcorp Genetics (formerly Invitae), Labcorp
Classification: Uncertain significance for Tuberous sclerosis 2. Last evaluated: 2023-04-06. Review status: criteria provided, single submitter. Criteria: Invitae Variant Classification Sherloc (09022015). Collection method: clinical testing. Allele origin: germline.
Comment: This sequence change replaces glutamine, which is neutral and polar, with glutamic acid, which is acidic and polar, at codon 572 of the TSC2 protein (p.Gln572Glu). This variant is not present in population databases (gnomAD no frequency). This variant has not been reported in the literature in individuals affected with TSC2-related conditions. An algorithm developed to predict the effect of missense changes on protein structure and function (PolyPhen-2) suggests that this variant is likely to be disruptive. In summary, the available evidence is currently insufficient to determine the role of this variant in disease. Therefore, it has been classified as a Variant of Uncertain Significance.